The following is an entry in ClinVar:

NM_000535.7(PMS2):c.102T>C (p.Ser34=)

Gene: PMS2 (PMS1 homolog 2, mismatch repair system component; minus strand). Cytogenetic location: 7p22.1.
Variant type: single nucleotide variant.
Coding change: c.102T>C on transcript NM_000535.7 (MANE Select); coding-DNA position 102, T replaced by C.
Protein change: p.Ser34=; no amino-acid change (serine 34 retained).
Molecular consequence: synonymous variant. On other transcripts: 5 prime UTR variant (38), non-coding transcript variant (1), intron variant (7).
Genome position (GRCh38, 1-based): chr7:6,005,953, A>G on the plus strand (T>C on the coding strand, the complement: PMS2 is on the minus strand). VCF-style: chr7-6005953-A-G. GRCh37 (hg19) VCF-style: chr7-6045584-A-G.
Other names: c.-304T>C (NM_001322005.2, NM_001322009.2, NM_001322013.2 and 11 more transcripts); c.102T>C, p.Ser34= (NM_001322006.2, NM_001322014.2, NM_001406868.1 and 10 more transcripts); c.-114T>C (NM_001322007.2, NM_001406876.1, NM_001406883.1 and 4 more transcripts); c.-783T>C (NM_001322011.2, NM_001322012.2); c.-383T>C (NM_001322015.2, NM_001406875.1, NM_001406877.1 and 2 more transcripts); c.288T>C, p.Ser96= (NM_001406866.1); c.-330T>C (NM_001406880.1); c.-251T>C (NM_001406888.1, NM_001406889.1, NM_001406892.1 and 5 more transcripts); and 7 more.
Identifiers: ClinVar variation 2771696 (VCV002771696.5), dbSNP rs2128845334, ClinGen allele CA453650224.
Genomic context (GRCh38, chr7:6,005,953, plus strand): 5'-AATATTAGTGGCACCAGCATCCAGACTGTTTTCTACTAACTCCTTTACCGCAGTGCTTAG[A>G]CTCAGTACCACCTGCCCAGAGCAAATCTGATGGACTGACTTCCGATCAATAGGTTTGATG-3'
Protein context (NP_000526.2, residues 24-44): HQICSGQVVL[Ser34=]LSTAVKELVE

ClinVar aggregate classification (germline): Benign/Likely benign. Review status: criteria provided, multiple submitters, no conflicts (2 of 4 stars). 3 submissions from 3 submitters: Benign (1); Likely benign (2). Last evaluated 2025-01-23.

Conditions:
Lynch syndrome 4 (LYNCH4). Also called: Hereditary non-polyposis colorectal cancer, type 4; Colorectal cancer, hereditary nonpolyposis, type 4. Identifiers: Orphanet 144, MedGen C1838333, MONDO:0013699, OMIM 614337. Disease mechanism: loss of function.
Hereditary nonpolyposis colorectal neoplasms. Identifiers: MedGen C0009405, MeSH D003123.
Lynch syndrome. Identifiers: Orphanet 144, MedGen C4552100, MONDO:0005835. Disease mechanism: loss of function.

Allele frequency attached by ClinVar (database versions not stated): gnomAD exomes below 0.00001.
gnomAD v4.1: 5 of 1,610,772 alleles (0.00031%); highest among the groups gnomAD compares: Non-Finnish European, 0.00042%; no homozygotes.

Submissions (3):

Myriad Genetics, Inc.
Classification: Benign for Lynch syndrome 4. Last evaluated: 2025-01-23. Review status: criteria provided, single submitter. Criteria: Myriad Autosomal Dominant, Autosomal Recessive and X-Linked Classification Criteria (2023). Collection method: clinical testing. Allele origin: unknown.
Comment: This variant is considered benign. This variant is a silent/synonymous amino acid change and it is not expected to impact splicing.

All of Us Research Program, National Institutes of Health
Classification: Likely benign for Lynch syndrome. Last evaluated: 2024-07-20. Review status: criteria provided, single submitter. Criteria: ACMG Guidelines, 2015. Collection method: clinical testing. Allele origin: germline. Inheritance: Autosomal dominant inheritance. Observed: 1 variant allele, 1 heterozygote.
Comment: This study involves interpretation of variants in research participants for the purpose of population health screening. Participant phenotype was not available at the time of variant classification. Additional details can be found in publication PMID: 35346344, PMCID: PMC8962531

Labcorp Genetics (formerly Invitae), Labcorp
Classification: Likely benign for Hereditary nonpolyposis colorectal neoplasms. Last evaluated: 2024-05-20. Review status: criteria provided, single submitter. Criteria: Invitae Variant Classification Sherloc (09022015). Collection method: clinical testing. Allele origin: germline.